The following is an entry in ClinVar:

NM_001009944.3(PKD1):c.11412-7C>G

Genes: PKD1 (polycystin 1, transient receptor potential channel interacting; minus strand), PKD1-AS1 (PKD1 antisense RNA 1; plus strand). Cytogenetic location: 16p13.3.
Variant type: single nucleotide variant.
Coding change: c.11412-7C>G on transcript NM_001009944.3 (MANE Select); 7 bases into the intron before coding-DNA position 11412, C replaced by G.
Molecular consequence: intron variant.
Genome position (GRCh38, 1-based): chr16:2,091,913, G>C on the plus strand (C>G on the coding strand, the complement: PKD1 is on the minus strand). VCF-style: chr16-2091913-G-C. GRCh37 (hg19) VCF-style: chr16-2141914-G-C.
Other names: c.11409-7C>G (NM_000296.4).
Identifiers: ClinVar variation 997101 (VCV000997101.1), dbSNP rs553377243, ClinGen allele CA2202018708.

ClinVar aggregate classification (germline): Uncertain significance (0 of 4 stars; one submission).

Conditions:
Polycystic kidney disease. Also called: Polycystic kidney dysplasia; Kidney, Polycystic. Identifiers: MedGen C0022680, MeSH D007690, MONDO:0020642, HP:0000113.

gnomAD v4.1: 1 of 1,611,632 alleles (0.000062%); highest among the groups gnomAD compares: Non-Finnish European, 0.000085%; no homozygotes.

Submission:

Department of Pathology and Laboratory Medicine, Sinai Health System
Classification: Uncertain significance for Polycystic Kidney disease. Review status: no assertion criteria provided. Collection method: clinical testing. Allele origin: unknown. Affected: yes. Study: The Canadian Open Genetics Repository (COGR).
Comment: The PKD1 c.11412-7C>G variant was not identified in the literature nor was it identified in the dbSNP, ClinVar, LOVD 3.0, ADPKD Mutation Database, or PKD1-LOVD databases. The variant was not identified in the following control databases: the Exome Aggregation Consortium (August 8th 2016), or the Genome Aggregation Database (Feb 27, 2017). The c.11412-7C>G variant is located in the 3' splice region but does not affect the invariant -1 and -2 positions. However, positions -3 and -5 to -12 are part of the splicing consensus sequence and variants involving these positions sometimes affect splicing. In addition, 3of 5 in silico or computational prediction software programs (SpliceSiteFinder, MaxEntScan, NNSPLICE, GeneSplicer, HumanSpliceFinder) predict a greater than 10% difference in splicing. In summary, based on the above information the clinical significance of this variant cannot be determined with certainty at this time. This variant is classified as a variant of uncertain significance.